The following is an entry in ClinVar:

NM_031418.4(ANO3):c.248C>A (p.Thr83Asn)

Gene: ANO3 (anoctamin 3; plus strand). Cytogenetic location: 11p14.2.
Variant type: single nucleotide variant.
Coding change: c.248C>A on transcript NM_031418.4 (MANE Select); coding-DNA position 248, C replaced by A.
Protein change: p.Thr83Asn; replaces threonine 83 with asparagine.
Molecular consequence: missense variant.
Genome position (GRCh38, 1-based): chr11:26,443,771, C>A. VCF-style: chr11-26443771-C-A. GRCh37 (hg19) VCF-style: chr11-26465318-C-A.
Other names: c.431C>A, p.Thr144Asn (NM_001313726.2); short protein forms T144N, T83N.
Identifiers: ClinVar variation 2057126 (VCV002057126.4), dbSNP rs2494625046, ClinGen allele CA380066452.

ClinVar aggregate classification (germline): Uncertain significance (1 of 4 stars; one submission).

Conditions:
Dystonic disorder. Also called: Dystonia. Identifiers: MedGen C0013421, MONDO:0003441, HP:0001332.

gnomAD v4.1: 1 of 1,400,982 alleles (0.000071%); no homozygotes.

Submission:

Labcorp Genetics (formerly Invitae), Labcorp
Classification: Uncertain significance for Dystonic disorder. Last evaluated: 2022-04-10. Review status: criteria provided, single submitter. Criteria: Invitae Variant Classification Sherloc (09022015). Collection method: clinical testing. Allele origin: germline.
Comment: In summary, the available evidence is currently insufficient to determine the role of this variant in disease. Therefore, it has been classified as a Variant of Uncertain Significance. Advanced modeling of protein sequence and biophysical properties (such as structural, functional, and spatial information, amino acid conservation, physicochemical variation, residue mobility, and thermodynamic stability) performed at Invitae indicates that this missense variant is not expected to disrupt ANO3 protein function. This variant has not been reported in the literature in individuals affected with ANO3-related conditions. This variant is not present in population databases (gnomAD no frequency). This sequence change replaces threonine, which is neutral and polar, with asparagine, which is neutral and polar, at codon 83 of the ANO3 protein (p.Thr83Asn).